The following is an entry in ClinVar:

ClinVar aggregate classification (germline): Uncertain significance (1 of 4 stars; one submission).

Conditions:
Familial adenomatous polyposis 1 (FAP1). Also called: FAMILIAL ADENOMATOUS POLYPOSIS 1, ATTENUATED; POLYPOSIS, ADENOMATOUS INTESTINAL. Identifiers: MedGen C2713442, MONDO:0021056, OMIM 175100. Disease mechanism: loss of function.

Submission:

Labcorp Genetics (formerly Invitae), Labcorp
Classification: Uncertain significance for Familial adenomatous polyposis 1. Last evaluated: 2020-01-16. Review status: criteria provided, single submitter. Criteria: Invitae Variant Classification Sherloc (09022015). Collection method: clinical testing. Allele origin: germline.
Comment: This variant occurs in a non-coding region of the APC gene. It does not change the encoded amino acid sequence of the APC protein. The frequency data for this variant in the population databases is considered unreliable, as metrics indicate insufficient coverage at this position in the ExAC database. This variant has not been reported in the literature in individuals with APC-related conditions. Experimental studies and prediction algorithms are not available for this variant, and the functional significance of this non-coding change is currently unknown. In summary, the available evidence is currently insufficient to determine the role of this variant in disease. Therefore, it has been classified as a Variant of Uncertain Significance.

NM_001127511.3(APC):c.78C>T (p.Ser26=)

Gene: APC (APC regulator of Wnt signaling pathway; plus strand). Cytogenetic location: 5q22.2.
Variant type: single nucleotide variant.
Coding change: c.78C>T on transcript NM_001127511.3; coding-DNA position 78, C replaced by T.
Protein change: p.Ser26=; no amino-acid change (serine 26 retained).
Molecular consequence: synonymous variant. On other transcripts: 5 prime UTR variant (8), non-coding transcript variant (1), intron variant (5).
Genome position (GRCh38, 1-based): chr5:112,707,795, C>T. VCF-style: chr5-112707795-C-T. GRCh37 (hg19) VCF-style: chr5-112043492-C-T.
Other names: c.-106C>T (NM_001354895.2, NM_001407447.1, NM_001407452.1 and 3 more transcripts); c.78C>T, p.Ser26= (NM_001354897.2, NM_001354902.2, NM_001407446.1); c.-1141C>T (NM_001407470.1, NM_001407472.1); c.-19+146C>T (NM_001407448.1, NM_001407450.1, NM_001407457.1 and 1 more transcripts); c.-43+146C>T (NM_001407453.1).
Identifiers: ClinVar variation 1019645 (VCV001019645.9), dbSNP rs113782655, ClinGen allele CA1573442730.